The following is an entry in ClinVar:

ClinVar aggregate classification (germline): Uncertain significance (1 of 4 stars; one submission).

Conditions:
GATA binding protein 1 related thrombocytopenia with dyserythropoiesis. Also called: GATA1-Related X-Linked Cytopenia; GATA1-Related Cytopenia. Identifiers: MedGen C1845837, MONDO:0100089.
Diamond-Blackfan anemia. Also called: Blackfan Diamond syndrome; Aregenerative anemia chronic congenital; Red cell aplasia, pure hereditary; Congenital hypoplastic anemia; Aase syndrome. Identifiers: Orphanet 124, MedGen C1260899, MeSH D029503, MONDO:0015253, HP:0004810.

Submission:

Labcorp Genetics (formerly Invitae), Labcorp
Classification: Uncertain significance for GATA binding protein 1 related thrombocytopenia with dyserythropoiesis; Diamond-Blackfan anemia. Last evaluated: 2024-01-31. Review status: criteria provided, single submitter. Criteria: Invitae Variant Classification Sherloc (09022015). Collection method: clinical testing. Allele origin: germline.
Comment: This sequence change replaces leucine, which is neutral and non-polar, with methionine, which is neutral and non-polar, at codon 124 of the GATA1 protein (p.Leu124Met). This variant is not present in population databases (gnomAD no frequency). This variant has not been reported in the literature in individuals affected with GATA1-related conditions. Advanced modeling of protein sequence and biophysical properties (such as structural, functional, and spatial information, amino acid conservation, physicochemical variation, residue mobility, and thermodynamic stability) performed at Invitae indicates that this missense variant is not expected to disrupt GATA1 protein function with a negative predictive value of 80%. In summary, the available evidence is currently insufficient to determine the role of this variant in disease. Therefore, it has been classified as a Variant of Uncertain Significance.

NM_002049.4(GATA1):c.370C>A (p.Leu124Met)

Gene: GATA1 (GATA binding protein 1; plus strand). Cytogenetic location: Xp11.23.
Variant type: single nucleotide variant.
Coding change: c.370C>A on transcript NM_002049.4 (MANE Select); coding-DNA position 370, C replaced by A.
Protein change: p.Leu124Met; replaces leucine 124 with methionine.
Molecular consequence: missense variant.
Genome position (GRCh38, 1-based): chrX:48,791,993, C>A. VCF-style: chrX-48791993-C-A. GRCh37 (hg19) VCF-style: chrX-48650400-C-A.
Other names: short protein forms L124M.
Identifiers: ClinVar variation 3761538 (VCV003761538.2).